The following is an entry in ClinVar:

ClinVar aggregate classification (germline): Conflicting classifications of pathogenicity. Review status: criteria provided, conflicting classifications (1 of 4 stars). 7 submissions from 7 submitters: Uncertain significance (6); Likely benign (1). Last evaluated 2026-01-18.

Conditions:
SMARCA4-related disorder. Also called: SMARCA4-related condition.
Hereditary cancer-predisposing syndrome. Also called: Neoplastic Syndromes, Hereditary; Tumor predisposition; Hereditary Cancer Syndrome; Hereditary neoplastic syndrome. Identifiers: Orphanet 140162, MedGen C0027672, MeSH D009386, MONDO:0015356.
Intellectual disability, autosomal dominant 16 (CSS4). Also called: COFFIN-SIRIS SYNDROME 4. Identifiers: Orphanet 1465, MedGen C3553249, MONDO:0013821, OMIM 614609.
Rhabdoid tumor predisposition syndrome 2 (RTPS2). Identifiers: Orphanet 231108, Orphanet 69077, MedGen C2750074, MONDO:0013224, OMIM 613325.

Allele frequency attached by ClinVar (database versions not stated): gnomAD exomes 0.00001 and 0.00003; TOPMed 0.00004; ExAC 0.00005; gnomAD 0.00005; ESP Exome Variant Server 0.00008.
gnomAD v4.1: 44 of 1,552,298 alleles (0.0028%); highest among the groups gnomAD compares: Admixed American, 0.0039%; 1 homozygote.

Submissions (7):

Labcorp Genetics (formerly Invitae), Labcorp
Classification: Uncertain significance for Rhabdoid tumor predisposition syndrome 2. Last evaluated: 2026-01-18. Review status: criteria provided, single submitter. Criteria: Invitae Variant Classification Sherloc (09022015). Collection method: clinical testing. Allele origin: germline.
Comment: This sequence change replaces arginine, which is basic and polar, with glutamine, which is neutral and polar, at codon 1640 of the SMARCA4 protein (p.Arg1640Gln). This variant is present in population databases (rs375672575, gnomAD 0.006%). This variant has not been reported in the literature in individuals affected with SMARCA4-related conditions. ClinVar contains an entry for this variant (Variation ID: 408647). Invitae Evidence Modeling of protein sequence and biophysical properties (such as structural, functional, and spatial information, amino acid conservation, physicochemical variation, residue mobility, and thermodynamic stability) has been performed for this missense variant. However, the output from this modeling did not meet the statistical confidence thresholds required to predict the impact of this variant on SMARCA4 protein function. In summary, the available evidence is currently insufficient to determine the role of this variant in disease. Therefore, it has been classified as a Variant of Uncertain Significance.

PreventionGenetics, part of Exact Sciences
Classification: Uncertain significance for SMARCA4-related condition. Last evaluated: 2025-12-02. Review status: criteria provided, single submitter. Criteria: ACMG Guidelines, 2015. Collection method: clinical testing. Allele origin: germline.
Comment: The SMARCA4 c.4919G>A variant is predicted to result in the amino acid substitution p.Arg1640Gln. This variant is alternatively referred to as c.4823G>A; p.R1608Q (NM_003072) in the literature. It has been reported in at least 2 individuals with neurodevelopmental disorders (Table S1, Valencia et al. 2023. PubMed ID: 37500730). This variant is reported in 0.0059% of alleles in individuals of African descent in gnomAD. It has conflicting classifications listed in ClinVar ranging from likely benign to uncertain (ClinVar ID: 408647). At this time, the clinical significance of this variant is uncertain due to the absence of conclusive functional and genetic evidence.

Quest Diagnostics Nichols Institute San Juan Capistrano
Classification: Uncertain significance. Last evaluated: 2025-07-17. Review status: criteria provided, single submitter. Criteria: Quest Diagnostics criteria. Collection method: clinical testing. Allele origin: unknown.
Comment: The SMARCA4 c.4919G>A (p.Arg1640Gln) variant has not been reported in individuals with SMARCA4-related conditions in the published literature. The frequency of this variant in the general population (Genome Aggregation Database) is uninformative in the assessment of its pathogenicity. Analysis of this variant using bioinformatics tools for the prediction of the effect of amino acid changes on protein structure and function yielded predictions that this variant is benign. Based on the available information, we are unable to determine the clinical significance of this variant.

Ambry Genetics
Classification: Likely benign for Hereditary cancer-predisposing syndrome. Last evaluated: 2024-10-10. Review status: criteria provided, single submitter. Criteria: Ambry Variant Classification Scheme 2023. Collection method: clinical testing. Allele origin: germline.

Baylor Genetics
Classification: Uncertain significance for Rhabdoid tumor predisposition syndrome 2. Last evaluated: 2023-10-02. Review status: criteria provided, single submitter. Criteria: ACMG Guidelines, 2015. Collection method: clinical testing. Allele origin: unknown.

GeneDx
Classification: Uncertain significance. Last evaluated: 2021-09-23. Review status: criteria provided, single submitter. Criteria: GeneDx Variant Classification Process June 2021. Collection method: clinical testing. Allele origin: germline. Affected: yes.
Comment: In silico analysis supports that this missense variant does not alter protein structure/function; Has not been previously published as pathogenic or benign to our knowledge

Genome-Nilou Lab
Classification: Uncertain significance for Intellectual disability, autosomal dominant 16. Last evaluated: 2021-07-15. Review status: criteria provided, single submitter. Criteria: ACMG Guidelines, 2015. Collection method: clinical testing. Allele origin: germline. Affected: no.

NM_003072.5(SMARCA4):c.4823G>A (p.Arg1608Gln)

Gene: SMARCA4 (SWI/SNF related BAF chromatin remodeling complex subunit ATPase 4; plus strand). Cytogenetic location: 19p13.2.
Variant type: single nucleotide variant.
Coding change: c.4823G>A on transcript NM_003072.5 (MANE Select); coding-DNA position 4823, G replaced by A.
Protein change: p.Arg1608Gln; replaces arginine 1608 with glutamine.
Molecular consequence: missense variant. On other transcripts: non-coding transcript variant (1).
Genome position (GRCh38, 1-based): chr19:11,060,099, G>A. VCF-style: chr19-11060099-G-A. GRCh37 (hg19) VCF-style: chr19-11170775-G-A.
Other names: c.4823G>A, p.Arg1608Gln (NM_001128844.3); c.4733G>A, p.Arg1578Gln (NM_001128845.2); c.4730G>A, p.Arg1577Gln (NM_001128846.2); c.4724G>A, p.Arg1575Gln (NM_001128847.4, NM_001374457.1); c.4721G>A, p.Arg1574Gln (NM_001128848.2); c.4919G>A, p.Arg1640Gln (NM_001128849.3, NM_001387283.1); short protein forms R1640Q, R1575Q, R1578Q, R1608Q, R1574Q, R1577Q.
Identifiers: ClinVar variation 408647 (VCV000408647.21), dbSNP rs375672575, ClinGen allele CA9204885.
Genomic context (GRCh38, chr19:11,060,099, plus strand): 5'-CTCCAGCTCGGTCCGTCAAAGTGAAGATCAAGCTTGGCCGGAAGGAGAAGGCACAGGACC[G>A]GCTGAAGGGCGGCCGGCGGCGGCCGAGCCGAGGGTCCCGAGCCAAGCCGGTCGTGAGTGA-3'
Protein context (NP_003063.2, residues 1598-1618): KLGRKEKAQD[Arg1608Gln]LKGGRRRPSR